The following is an entry in ClinVar:

NM_001080421.3(UNC13A):c.3333C>T (p.Ala1111=)

Gene: UNC13A (unc-13 homolog A; minus strand). Cytogenetic location: 19p13.11.
Variant type: single nucleotide variant.
Coding change: c.3333C>T on transcript NM_001080421.3 (MANE Select); coding-DNA position 3333, C replaced by T.
Protein change: p.Ala1111=; no amino-acid change (alanine 1111 retained).
Molecular consequence: synonymous variant.
Genome position (GRCh38, 1-based): chr19:17,632,877, G>A on the plus strand (C>T on the coding strand, the complement: UNC13A is on the minus strand). VCF-style: chr19-17632877-G-A. GRCh37 (hg19) VCF-style: chr19-17743686-G-A.
Other names: c.3327C>T, p.Ala1109= (NM_001387021.1, NM_001387022.1, NM_001387023.1); c.3333C>T (NM_001080421.2).
Identifiers: ClinVar variation 2649549 (VCV002649549.25), dbSNP rs369171031, ClinGen allele CA9298014.

ClinVar aggregate classification (germline): Likely benign. Review status: criteria provided, single submitter (1 of 4 stars). 2 submissions from 2 submitters: Likely benign (1). 1 of the submissions does not count toward it. Last evaluated 2022-09-01.

Conditions:
UNC13A-related disorder. Also called: UNC13A-related condition.

Allele frequency attached by ClinVar (database versions not stated): ExAC 0.00038; TOPMed 0.00039; gnomAD 0.00030; ESP Exome Variant Server 0.00055.
gnomAD v4.1: 624 of 1,613,814 alleles (0.039%); highest among the groups gnomAD compares: Non-Finnish European, 0.049%; no homozygotes.

Submissions (2):

CeGaT Center for Human Genetics Tuebingen
Classification: Likely benign. Last evaluated: 2022-09-01. Review status: criteria provided, single submitter. Criteria: CeGaT Center For Human Genetics Tuebingen Variant Classification Criteria Version 2. Collection method: clinical testing. Allele origin: germline. Affected: yes. Observed: 1 variant allele.
Comment: UNC13A: BP4, BP7

PreventionGenetics, part of Exact Sciences
Classification: Likely benign for UNC13A-related condition. Last evaluated: 2019-08-12. Review status: no assertion criteria provided. Collection method: clinical testing. Allele origin: germline. Not counted in ClinVar's aggregate classification.
Comment: This variant is classified as likely benign based on ACMG/AMP sequence variant interpretation guidelines (Richards et al. 2015 PMID: 25741868, with internal and published modifications).